The following is an entry in ClinVar:

ClinVar aggregate classification (germline): Uncertain significance. Review status: criteria provided, multiple submitters, no conflicts (2 of 4 stars). 3 submissions from 3 submitters: Uncertain significance (3). Last evaluated 2023-11-30.

Conditions:
Chédiak-Higashi syndrome (CHS). Also called: Chediak-Higashi Syndrome. Identifiers: Orphanet 167, MedGen C0007965, MONDO:0008963, OMIM 214500.

gnomAD v4.1: 91 of 1,613,742 alleles (0.0056%); highest among the groups gnomAD compares: Non-Finnish European, 0.0073%; no homozygotes.

Submissions (3):

Women's Health and Genetics/Laboratory Corporation of America, LabCorp
Classification: Uncertain significance. Last evaluated: 2023-11-30. Review status: criteria provided, single submitter. Criteria: LabCorp Variant Classification Summary - May 2015. Collection method: clinical testing. Allele origin: germline.
Comment: Variant summary: LYST c.6331A>G (p.Thr2111Ala) results in a non-conservative amino acid change in the encoded protein sequence. Three of five in-silico tools predict a benign effect of the variant on protein function. The variant allele was found at a frequency of 2.4e-05 in 248700 control chromosomes. The available data on variant occurrences in the general population are insufficient to allow any conclusion about variant significance. To our knowledge, no occurrence of c.6331A>G in individuals affected with Chediak-Higashi Syndrome and no experimental evidence demonstrating its impact on protein function have been reported. Two submitters have cited clinical-significance assessments for this variant to ClinVar after 2014. All submitters classified the variant as uncertain significance. Based on the evidence outlined above, the variant was classified as uncertain significance.

Labcorp Genetics (formerly Invitae), Labcorp
Classification: Uncertain significance for Chédiak-Higashi syndrome. Last evaluated: 2021-11-10. Review status: criteria provided, single submitter. Criteria: Invitae Variant Classification Sherloc (09022015). Collection method: clinical testing. Allele origin: germline.
Comment: This sequence change replaces threonine, which is neutral and polar, with alanine, which is neutral and non-polar, at codon 2111 of the LYST protein (p.Thr2111Ala). This variant is present in population databases (no rsID available, gnomAD 0.005%). This variant has not been reported in the literature in individuals affected with LYST-related conditions. ClinVar contains an entry for this variant (Variation ID: 941738). Algorithms developed to predict the effect of missense changes on protein structure and function output the following: SIFT: "Tolerated"; PolyPhen-2: "Benign"; Align-GVGD: "Class C0". The alanine amino acid residue is found in multiple mammalian species, which suggests that this missense change does not adversely affect protein function. In summary, the available evidence is currently insufficient to determine the role of this variant in disease. Therefore, it has been classified as a Variant of Uncertain Significance.

Revvity Omics, Revvity
Classification: Uncertain significance for Chédiak-Higashi syndrome. Last evaluated: 2019-01-11. Review status: criteria provided, single submitter. Criteria: ACMG Guidelines, 2015. Collection method: clinical testing. Allele origin: germline.

NM_000081.4(LYST):c.6331A>G (p.Thr2111Ala)

Gene: LYST (lysosomal trafficking regulator; minus strand). Cytogenetic location: 1q42.3.
Variant type: single nucleotide variant.
Coding change: c.6331A>G on transcript NM_000081.4 (MANE Select); coding-DNA position 6331, A replaced by G.
Protein change: p.Thr2111Ala; replaces threonine 2111 with alanine.
Molecular consequence: missense variant.
Genome position (GRCh38, 1-based): chr1:235,759,522, T>C on the plus strand (A>G on the coding strand, the complement: LYST is on the minus strand). VCF-style: chr1-235759522-T-C. GRCh37 (hg19) VCF-style: chr1-235922822-T-C.
Other names: c.6331A>G, p.Thr2111Ala (NM_001301365.1); short protein forms T2111A.
Identifiers: ClinVar variation 941738 (VCV000941738.6), dbSNP rs986570709, ClinGen allele CA39616241.
Genomic context (GRCh38, chr1:235,759,522, plus strand): 5'-TGTCGATACTACAACCCAAACTTCCAGTCAGTTTTTGTGATTGCGTTAGTAGTGAAGAAG[T>C]AGGGAATGCTGGTAGGCTTCTAGAACGCAGCATATGGGCGGCCATCTGTTGTGGAATAAT-3'
Protein context (NP_000072.2, residues 2101-2121): LRSRSLPAFP[Thr2111Ala]SSLLTQSQKL